The following is an entry in ClinVar:

NM_024757.5(EHMT1):c.7G>A (p.Ala3Thr)

Genes: EHMT1 (euchromatic histone lysine methyltransferase 1; plus strand), LOC130003135 (ATAC-STARR-seq lymphoblastoid silent region 20636; plus strand). Cytogenetic location: 9q34.3.
Variant type: single nucleotide variant.
Coding change: c.7G>A on transcript NM_024757.5 (MANE Select); coding-DNA position 7, G replaced by A.
Protein change: p.Ala3Thr; replaces alanine 3 with threonine.
Molecular consequence: missense variant. On other transcripts: 5 prime UTR variant (2).
Genome position (GRCh38, 1-based): chr9:137,619,035, G>A. VCF-style: chr9-137619035-G-A. GRCh37 (hg19) VCF-style: chr9-140513487-G-A.
Other names: c.7G>A, p.Ala3Thr (NM_001145527.2, NM_001354263.2, NM_001354611.2); c.-23G>A (NM_001354259.2, NM_001354612.2); short protein forms A3T.
Identifiers: ClinVar variation 1427298 (VCV001427298.11), dbSNP rs1842768525, ClinGen allele CA375778151.

ClinVar aggregate classification (germline): Uncertain significance. Review status: criteria provided, multiple submitters, no conflicts (2 of 4 stars). 2 submissions from 2 submitters: Uncertain significance (2). Last evaluated 2024-01-15.

Conditions:
Kleefstra syndrome 1 (KLEFS1). Identifiers: Orphanet 261494, MedGen C0795833, MONDO:0027407, OMIM 610253.

Allele frequency attached by ClinVar (database versions not stated): TOPMed below 0.00001.

Submissions (2):

Labcorp Genetics (formerly Invitae), Labcorp
Classification: Uncertain significance for Kleefstra syndrome 1. Last evaluated: 2024-01-15. Review status: criteria provided, single submitter. Criteria: Invitae Variant Classification Sherloc (09022015). Collection method: clinical testing. Allele origin: germline.
Comment: This sequence change replaces alanine, which is neutral and non-polar, with threonine, which is neutral and polar, at codon 3 of the EHMT1 protein (p.Ala3Thr). The frequency data for this variant in the population databases is considered unreliable, as metrics indicate insufficient coverage at this position in the gnomAD database. This variant has not been reported in the literature in individuals affected with EHMT1-related conditions. ClinVar contains an entry for this variant (Variation ID: 1427298). An algorithm developed to predict the effect of missense changes on protein structure and function (PolyPhen-2) suggests that this variant is likely to be tolerated. In summary, the available evidence is currently insufficient to determine the role of this variant in disease. Therefore, it has been classified as a Variant of Uncertain Significance.

GeneDx
Classification: Uncertain significance. Last evaluated: 2022-06-10. Review status: criteria provided, single submitter. Criteria: GeneDx Variant Classification Process June 2021. Collection method: clinical testing. Allele origin: germline. Affected: yes.
Comment: Not observed at significant frequency in large population cohorts (gnomAD); In silico analysis supports that this missense variant does not alter protein structure/function; Has not been previously published as pathogenic or benign to our knowledge